The following is an entry in ClinVar:

ClinVar aggregate classification (germline): Uncertain significance (1 of 4 stars; one submission).

gnomAD v4.1: 4 of 1,614,196 alleles (0.00025%); highest among the groups gnomAD compares: Non-Finnish European, 0.00034%; no homozygotes.

Submission:

CeGaT Center for Human Genetics Tuebingen
Classification: Uncertain significance. Last evaluated: 2025-09-01. Review status: criteria provided, single submitter. Criteria: CeGaT Center For Human Genetics Tuebingen Variant Classification Criteria Version 2. Collection method: clinical testing. Allele origin: germline. Affected: yes. Observed: 1 variant allele.
Comment: VPS13D: PM2

NM_015378.4(VPS13D):c.3661C>G (p.Gln1221Glu)

Gene: VPS13D (vacuolar protein sorting 13 homolog D; plus strand). Cytogenetic location: 1p36.22.
Variant type: single nucleotide variant.
Coding change: c.3661C>G on transcript NM_015378.4 (MANE Select); coding-DNA position 3661, C replaced by G.
Protein change: p.Gln1221Glu; replaces glutamine 1221 with glutamic acid.
Molecular consequence: missense variant.
Genome position (GRCh38, 1-based): chr1:12,277,249, C>G. VCF-style: chr1-12277249-C-G. GRCh37 (hg19) VCF-style: chr1-12337306-C-G.
Other names: c.3661C>G, p.Gln1221Glu (NM_018156.4); short protein forms Q1221E.
Identifiers: ClinVar variation 4281526 (VCV004281526.7).